The following is an entry in ClinVar:

ClinVar aggregate classification (germline): Uncertain significance (1 of 4 stars; one submission).

gnomAD v4.1: 36 of 1,612,184 alleles (0.0022%); highest among the groups gnomAD compares: African/African-American, 0.004%; no homozygotes.

Submission:

GeneDx
Classification: Uncertain significance. Last evaluated: 2023-12-12. Review status: criteria provided, single submitter. Criteria: GeneDx Variant Classification Process June 2021. Collection method: clinical testing. Allele origin: germline. Affected: yes.
Comment: In silico analysis supports that this missense variant has a deleterious effect on protein structure/function; Has not been previously published as pathogenic or benign to our knowledge

NM_005560.6(LAMA5):c.5575G>A (p.Gly1859Ser)

Gene: LAMA5 (laminin subunit alpha 5; minus strand). Cytogenetic location: 20q13.33.
Variant type: single nucleotide variant.
Coding change: c.5575G>A on transcript NM_005560.6 (MANE Select); coding-DNA position 5575, G replaced by A.
Protein change: p.Gly1859Ser; replaces glycine 1859 with serine.
Molecular consequence: missense variant.
Genome position (GRCh38, 1-based): chr20:62,324,509, C>T on the plus strand (G>A on the coding strand, the complement: LAMA5 is on the minus strand). VCF-style: chr20-62324509-C-T. GRCh37 (hg19) VCF-style: chr20-60899565-C-T.
Other names: short protein forms G1859S.
Identifiers: ClinVar variation 3365456 (VCV003365456.1).